The following is an entry in ClinVar:

NM_015512.5(DNAH1):c.10970C>G (p.Thr3657Arg)

Gene: DNAH1 (dynein axonemal heavy chain 1; plus strand). Cytogenetic location: 3p21.1.
Variant type: single nucleotide variant.
Coding change: c.10970C>G on transcript NM_015512.5 (MANE Select); coding-DNA position 10970, C replaced by G.
Protein change: p.Thr3657Arg; replaces threonine 3657 with arginine.
Molecular consequence: missense variant.
Genome position (GRCh38, 1-based): chr3:52,395,309, C>G. VCF-style: chr3-52395309-C-G. GRCh37 (hg19) VCF-style: chr3-52429325-C-G.
Other names: short protein forms T3657R.
Identifiers: ClinVar variation 766859 (VCV000766859.8), dbSNP rs144668102, ClinGen allele CA2436030.

ClinVar aggregate classification (germline): Conflicting classifications of pathogenicity. Review status: criteria provided, conflicting classifications (1 of 4 stars). 2 submissions from 2 submitters: Uncertain significance (1); Likely benign (1). Last evaluated 2025-10-22.

Conditions:
DNAH1-related disorder. Also called: DNAH1-related condition.
Spermatogenic failure 18. Identifiers: MedGen C4539783, MONDO:0054615, OMIM 617576.
Ciliary dyskinesia, primary, 37 (CILD37). Also called: CILIARY DYSKINESIA, PRIMARY, 37, WITH OR WITHOUT SITUS INVERSUS. Identifiers: MedGen C4539798, MONDO:0033204, OMIM 617577.

Allele frequency attached by ClinVar (database versions not stated): TOPMed 0.00023; gnomAD 0.00018 and 0.00014; ExAC 0.00034; 1000 Genomes Project 0.00120; 1000 Genomes Project 30x 0.00125.
gnomAD v4.1: 190 of 1,613,242 alleles (0.012%); highest among the groups gnomAD compares: East Asian, 0.35%; 1 homozygote.

Submissions (2):

Labcorp Genetics (formerly Invitae), Labcorp
Classification: Likely benign for Ciliary dyskinesia, primary, 37; Spermatogenic failure 18. Last evaluated: 2025-10-22. Review status: criteria provided, single submitter. Criteria: Invitae Variant Classification Sherloc (09022015). Collection method: clinical testing. Allele origin: germline.

PreventionGenetics, part of Exact Sciences
Classification: Uncertain significance for DNAH1-related condition. Last evaluated: 2023-05-11. Review status: criteria provided, single submitter. Criteria: ACMG Guidelines, 2015. Collection method: clinical testing. Allele origin: germline.
Comment: The DNAH1 c.10970C>G variant is predicted to result in the amino acid substitution p.Thr3657Arg. This variant was reported in an individual with Kartagener syndrome (Patient KT2, Yue et al. 2019. PubMed ID: 31507630). This variant is reported in 0.43% of alleles in individuals of East Asian descent in gnomAD. Although we suspect that this variant may be benign, at this time, the clinical significance of this variant is uncertain due to the absence of conclusive functional and genetic evidence.